The following is an entry in ClinVar:

NM_001145809.2(MYH14):c.2337_2338delinsAA (p.Phe779_Gln780delinsLeuLys)

Gene: MYH14 (myosin heavy chain 14; plus strand). Cytogenetic location: 19q13.33.
Variant type: Indel.
Coding change: c.2337_2338delinsAA on transcript NM_001145809.2 (MANE Select); coding-DNA positions 2337 to 2338, CC replaced by AA.
Protein change: p.Phe779_Gln780delinsLeuLys.
Molecular consequence: missense variant.
Genome position (GRCh38, 1-based): chr19:50,259,248-50,259,249, CC replaced by AA. VCF-style: chr19-50259248-CC-AA. GRCh37 (hg19) VCF-style: chr19-50762505-CC-AA.
Other names: c.2238_2239delinsAA, p.Phe746_Gln747delinsLeuLys (NM_001077186.2); c.2214_2215delinsAA, p.Phe738_Gln739delinsLeuLys (NM_024729.4).
Identifiers: ClinVar variation 4690013 (VCV004690013.1).

ClinVar aggregate classification (germline): Uncertain significance (1 of 4 stars; one submission).

Submission:

GeneDx
Classification: Uncertain significance. Last evaluated: 2025-07-25. Review status: criteria provided, single submitter. Criteria: GeneDx Variant Classification Process June 2021. Collection method: clinical testing. Allele origin: germline. Affected: yes.
Comment: Not observed at significant frequency in large population cohorts (gnomAD); In-frame deletion of 2 amino acid(s) and insertion of 2 different amino acid(s) in a non-repeat region; Has not been previously published as pathogenic or benign to our knowledge; In silico analysis does not support a benign or deleterious effect of this variant on protein structure/function